The following is an entry in ClinVar:

NM_001382391.1(CSPP1):c.1677C>T (p.His559=)

Gene: CSPP1 (centrosome and spindle pole associated protein 1; plus strand). Cytogenetic location: 8q13.2.
Variant type: single nucleotide variant.
Coding change: c.1677C>T on transcript NM_001382391.1 (MANE Select); coding-DNA position 1677, C replaced by T.
Protein change: p.His559=; no amino-acid change (histidine 559 retained).
Molecular consequence: synonymous variant.
Genome position (GRCh38, 1-based): chr8:67,118,801, C>T. VCF-style: chr8-67118801-C-T. GRCh37 (hg19) VCF-style: chr8-68031036-C-T.
Other names: c.780C>T, p.His260= (NM_001291339.2); c.1596C>T, p.His532= (NM_001363131.2); c.1635C>T, p.His545= (NM_001363132.2); c.1554C>T, p.His518= (NM_001363133.2); c.1743C>T, p.His581= (NM_001364869.1); c.1563C>T, p.His521= (NM_001364870.1); c.1662C>T, p.His554= (NM_024790.7).
Identifiers: ClinVar variation 2072134 (VCV002072134.6), dbSNP rs751492469, ClinGen allele CA4770617.

ClinVar aggregate classification (germline): Likely benign. Review status: criteria provided, multiple submitters, no conflicts (2 of 4 stars). 3 submissions from 3 submitters: Likely benign (3). Last evaluated 2026-07-30.

Conditions:
Joubert syndrome 21 (JBTS21). Identifiers: MedGen C3810212, MONDO:0014288, OMIM 615636.
CSPP1-related disorder. Also called: CSPP1-related condition.

Allele frequency attached by ClinVar (database versions not stated): ExAC 0.00002; gnomAD exomes 0.00002; TOPMed 0.00002; gnomAD 0.00001.
gnomAD v4.1: 30 of 1,609,524 alleles (0.0019%); highest among the groups gnomAD compares: Middle Eastern, 0.016%; no homozygotes.

Submissions (3):

PreventionGenetics, part of Exact Sciences
Classification: Likely benign for CSPP1-related condition. Last evaluated: 2026-07-30. Review status: criteria provided, single submitter. Criteria: ACMG Guidelines, 2015. Collection method: clinical testing. Allele origin: germline.
Comment: This variant is classified as likely benign based on ACMG/AMP sequence variant interpretation guidelines (Richards et al. 2015 PMID: 25741868, with internal and published modifications).

Labcorp Genetics (formerly Invitae), Labcorp
Classification: Likely benign for Joubert syndrome 21. Last evaluated: 2025-11-01. Review status: criteria provided, single submitter. Criteria: Invitae Variant Classification Sherloc (09022015). Collection method: clinical testing. Allele origin: germline.

Blueprint Genetics
Classification: Likely benign. Last evaluated: 2023-01-03. Review status: criteria provided, single submitter. Criteria: ACMG Guidelines, 2015. Collection method: clinical testing. Allele origin: germline.